The following is an entry in ClinVar:

ClinVar aggregate classification (germline): Uncertain significance (1 of 4 stars; one submission).

Conditions:
DICER1-related tumor predisposition. Also called: DICER1 syndrome; DICER1-related pleuropulmonary blastoma cancer predisposition syndrome. Identifiers: Orphanet 284343, MedGen C3839822, MONDO:0100216.

Allele frequency attached by ClinVar (database versions not stated): gnomAD exomes below 0.00001; gnomAD 0.00001.

Submission:

Labcorp Genetics (formerly Invitae), Labcorp
Classification: Uncertain significance for DICER1-related tumor predisposition. Last evaluated: 2021-04-26. Review status: criteria provided, single submitter. Criteria: Invitae Variant Classification Sherloc (09022015). Collection method: clinical testing. Allele origin: germline.
Comment: This sequence change replaces methionine with leucine at codon 1258 of the DICER1 protein (p.Met1258Leu). The methionine residue is weakly conserved and there is a small physicochemical difference between methionine and leucine. This variant is not present in population databases (ExAC no frequency). In summary, the available evidence is currently insufficient to determine the role of this variant in disease. Therefore, it has been classified as a Variant of Uncertain Significance. Algorithms developed to predict the effect of missense changes on protein structure and function (SIFT, PolyPhen-2, Align-GVGD) all suggest that this variant is likely to be tolerated, but these predictions have not been confirmed by published functional studies and their clinical significance is uncertain. This variant has not been reported in the literature in individuals with DICER1-related conditions.

NM_177438.3(DICER1):c.3772A>T (p.Met1258Leu)

Gene: DICER1 (dicer 1, ribonuclease III; minus strand). Cytogenetic location: 14q32.13.
Variant type: single nucleotide variant.
Coding change: c.3772A>T on transcript NM_177438.3 (MANE Select); coding-DNA position 3772, A replaced by T.
Protein change: p.Met1258Leu; replaces methionine 1258 with leucine.
Molecular consequence: missense variant.
Genome position (GRCh38, 1-based): chr14:95,103,624, T>A on the plus strand (A>T on the coding strand, the complement: DICER1 is on the minus strand). VCF-style: chr14-95103624-T-A. GRCh37 (hg19) VCF-style: chr14-95569961-T-A.
Other names: c.3772A>T, p.Met1258Leu (NM_001195573.1, NM_001271282.3, NM_001291628.2 and 1 more transcripts); short protein forms M1258L.
Identifiers: ClinVar variation 1519306 (VCV001519306.9), dbSNP rs1891107209, ClinGen allele CA390873550.